The following is an entry in ClinVar:

ClinVar aggregate classification (germline): Pathogenic/Likely pathogenic. Review status: criteria provided, multiple submitters, no conflicts (2 of 4 stars). 2 submissions from 2 submitters: Pathogenic (1); Likely pathogenic (1). Last evaluated 2025-11-23.

Conditions:
Torsion dystonia 6 (DYT6). Also called: DYT-THAP1. Identifiers: Orphanet 98806, MedGen C1414216, MONDO:0011264, OMIM 602629.

Submissions (2):

Labcorp Genetics (formerly Invitae), Labcorp
Classification: Pathogenic for Torsion dystonia 6. Last evaluated: 2025-11-23. Review status: criteria provided, single submitter. Criteria: Invitae Variant Classification Sherloc (09022015). Collection method: clinical testing. Allele origin: germline.
Comment: This sequence change affects the initiator codon of the THAP1 mRNA. This change may impact translation initiation or efficiency. The next in-frame methionine is located at codon 120. This variant is not present in population databases (gnomAD no frequency). Disruption of the initiator codon has been observed in individual(s) with dystonia (PMID: 19345147, 26486352). It has also been observed to segregate with disease in related individuals. ClinVar contains an entry for this variant (Variation ID: 1711673). This variant disrupts a region of the THAP1 protein in which other variant(s) (p.Pro26Leu) have been determined to be pathogenic (PMID: 21847143; internal data). This suggests that this is a clinically significant region of the protein, and that variants that disrupt it are likely to be disease-causing. For these reasons, this variant has been classified as Pathogenic.

CeGaT Center for Human Genetics Tuebingen
Classification: Likely pathogenic. Last evaluated: 2023-02-01. Review status: criteria provided, single submitter. Criteria: CeGaT Center For Human Genetics Tuebingen Variant Classification Criteria Version 2. Collection method: clinical testing. Allele origin: germline. Affected: yes. Observed: 3 variant alleles.

Literature cited by the submitters: PubMed 19345147 (cited by Labcorp Genetics (formerly Invitae), Labcorp); PubMed 26486352 (cited by Labcorp Genetics (formerly Invitae), Labcorp); PubMed 21847143 (cited by Labcorp Genetics (formerly Invitae), Labcorp).

NM_018105.3(THAP1):c.2del (p.Met1fs)

Gene: THAP1 (THAP domain containing 1; minus strand). Cytogenetic location: 8p11.21.
Variant type: Deletion.
Coding change: c.2del on transcript NM_018105.3 (MANE Select); coding-DNA position 2, one base deleted (T; older notation c.2delT).
Protein change: p.Met1fs; shifts the reading frame from methionine 1.
Molecular consequence: frameshift variant, initiator codon variant.
Genome position (GRCh38, 1-based): chr8:42,843,093, A deleted on the plus strand (T on the coding strand, the reverse complement: THAP1 is on the minus strand). VCF-style (leftmost placement, unchanged base first): chr8-42843092-CA-C. GRCh37 (hg19) VCF-style: chr8-42698235-CA-C.
Other names: c.2del, p.Met1fs (NM_199003.2); short protein forms M1fs.
Identifiers: ClinVar variation 1711673 (VCV001711673.34), dbSNP rs2487042330, ClinGen allele CA2579157389.